The following is an entry in ClinVar:

ClinVar aggregate classification (germline): Pathogenic (1 of 4 stars; one submission).

Conditions:
Intellectual developmental disorder, autosomal dominant 29. Also called: SETBP1 Haploinsufficiency Disorder; Intellectual disability, autosomal dominant 29. Identifiers: Orphanet 436151, MedGen C4015141, MONDO:0014482, OMIM 616078.

Submission:

Centre for Mendelian Genomics, University Medical Centre Ljubljana
Classification: Pathogenic for Intellectual developmental disorder, autosomal dominant 29. Last evaluated: 2019-10-30. Review status: criteria provided, single submitter. Criteria: ACMG Guidelines, 2015. Collection method: clinical testing. Allele origin: unknown. Affected: yes.
Comment: This variant was classified as: Pathogenic. The following ACMG criteria were applied in classifying this variant: PVS1,PM2,PP4.

NM_015559.3(SETBP1):c.3198C>A (p.Tyr1066Ter)

Gene: SETBP1 (SET binding protein 1; plus strand). Cytogenetic location: 18q12.3.
Variant type: single nucleotide variant.
Coding change: c.3198C>A on transcript NM_015559.3 (MANE Select); coding-DNA position 3198, C replaced by A.
Protein change: p.Tyr1066Ter; replaces tyrosine 1066 with a stop codon.
Molecular consequence: nonsense.
Genome position (GRCh38, 1-based): chr18:44,952,538, C>A. VCF-style: chr18-44952538-C-A. GRCh37 (hg19) VCF-style: chr18-42532503-C-A.
Other names: c.3198C>A, p.Tyr1066Ter (NM_001379141.1, NM_001379142.1); short protein forms Y1066*.
Identifiers: ClinVar variation 931693 (VCV000931693.3), dbSNP rs373264085, ClinGen allele CA402323831.